The following is an entry in ClinVar:

ClinVar aggregate classification (germline): Pathogenic (1 of 4 stars; one submission).

Conditions:
Neurofibromatosis, type 1 (NF1). Also called: Peripheral type neurofibromatosis; Neurofibromatosis, type I; VON RECKLINGHAUSEN DISEASE; NEUROFIBROMATOSIS, TYPE I, SOMATIC. Identifiers: Orphanet 636, MedGen C0027831, MONDO:0018975, OMIM 162200. Disease mechanism: loss of function.

Submission:

Labcorp Genetics (formerly Invitae), Labcorp
Classification: Pathogenic for Neurofibromatosis, type 1. Last evaluated: 2019-05-20. Review status: criteria provided, single submitter. Criteria: Invitae Variant Classification Sherloc (09022015). Collection method: clinical testing. Allele origin: germline.
Comment: This sequence change creates a premature translational stop signal (p.Tyr794Glyfs*7) in the NF1 gene. It is expected to result in an absent or disrupted protein product. This variant is not present in population databases (ExAC no frequency). This variant has not been reported in the literature in individuals with NF1-related conditions. Loss-of-function variants in NF1 are known to be pathogenic (PMID: 10712197, 23913538). For these reasons, this variant has been classified as Pathogenic.

Literature cited by the submitters: PubMed 10712197; PubMed 23913538.

NM_001042492.3(NF1):c.2350_2378dup (p.Asn793_Tyr794insGlyAsnLysGlnGlnSerTer)

Gene: NF1 (neurofibromin 1; plus strand). Cytogenetic location: 17q11.2.
Variant type: Duplication.
Coding change: c.2350_2378dup on transcript NM_001042492.3 (MANE Select); coding-DNA positions 2350 to 2378, 29 bases duplicated (TGGGAACAAGCAACAAAGCTAATCCTTAA).
Protein change: p.Asn793_Tyr794insGlyAsnLysGlnGlnSerTer.
Molecular consequence: nonsense, inframe insertion. On other transcripts: frameshift variant (1).
Genome position (GRCh38, 1-based): chr17:31,227,547-31,227,575, TGGGAACAAGCAACAAAGCTAATCCTTAA duplicated; duplicating any 29 consecutive bases within chr17:31,227,545-31,227,575 gives the same sequence; the c. name uses the placement nearest the transcript's 3' end. VCF-style (leftmost placement, unchanged base first): chr17-31227544-A-AAATGGGAACAAGCAACAAAGCTAATCCTT. GRCh37 (hg19) VCF-style: chr17-29554562-A-AAATGGGAACAAGCAACAAAGCTAATCCTT.
Other names: c.2350_2378dup, p.Tyr794Glyfs (NM_000267.4).
Identifiers: ClinVar variation 943772 (VCV000943772.6), dbSNP rs2067037965, ClinGen allele CA1139665426.